The following is an entry in ClinVar:

NM_004336.5(BUB1):c.1277G>A (p.Gly426Glu)

Gene: BUB1 (BUB1 mitotic checkpoint serine/threonine kinase; minus strand). Cytogenetic location: 2q13.
Variant type: single nucleotide variant.
Coding change: c.1277G>A on transcript NM_004336.5 (MANE Select); coding-DNA position 1277, G replaced by A.
Protein change: p.Gly426Glu; replaces glycine 426 with glutamic acid.
Molecular consequence: missense variant.
Genome position (GRCh38, 1-based): chr2:110,658,742, C>T on the plus strand (G>A on the coding strand, the complement: BUB1 is on the minus strand). VCF-style: chr2-110658742-C-T. GRCh37 (hg19) VCF-style: chr2-111416319-C-T.
Other names: c.1217G>A, p.Gly406Glu (NM_001278616.2); c.1277G>A, p.Gly426Glu (NM_001278617.2); short protein forms G406E, G426E.
Identifiers: ClinVar variation 1766886 (VCV001766886.2), dbSNP rs1690001361, ClinGen allele CA348212922.
Genomic context (GRCh38, chr2:110,658,742, plus strand): 5'-AGTGATGTGTTTGGAGTTGTGTGAAAAGAACTTGTGTTGGCAACCTTATGTGTTTCACAC[C>T]CTAGCAAAGAAATGGAGACAAAATGTGGTATCAGTAGGGAAATCAGAATAACTTAAAAGA-3'
Protein context (NP_004327.1, residues 416-436): KPQSGAEIKE[Gly426Glu]CETHKVANTS

ClinVar aggregate classification (germline): Uncertain significance (1 of 4 stars; one submission).

Allele frequency attached by ClinVar (database versions not stated): TOPMed below 0.00001; gnomAD 0.00001.

Submission:

Ambry Genetics
Classification: Uncertain significance. Last evaluated: 2021-09-22. Review status: criteria provided, single submitter. Criteria: Ambry Variant Classification Scheme 2023. Collection method: clinical testing. Allele origin: germline.
Comment: The p.G426E variant (also known as c.1277G>A) is located in coding exon 12 of the BUB1 gene. The glycine at codon 426 is replaced by glutamic acid, an amino acid with similar properties. This change occurs in the first base pair of coding exon 12. This amino acid position is conserved. In addition, this alteration is predicted to be tolerated by in silico analysis. Since supporting evidence is limited at this time, the clinical significance of this alteration remains unclear.